The following is an entry in ClinVar:

NM_001379200.1(TBX1):c.447T>G (p.Phe149Leu)

Gene: TBX1 (T-box transcription factor 1; plus strand). Cytogenetic location: 22q11.21.
Variant type: single nucleotide variant.
Coding change: c.447T>G on transcript NM_001379200.1 (MANE Select); coding-DNA position 447, T replaced by G.
Protein change: p.Phe149Leu; replaces phenylalanine 149 with leucine.
Molecular consequence: missense variant.
Genome position (GRCh38, 1-based): chr22:19,763,250, T>G. VCF-style: chr22-19763250-T-G. GRCh37 (hg19) VCF-style: chr22-19750773-T-G.
Other names: c.420T>G, p.Phe140Leu (NM_005992.1, NM_080646.2, NM_080647.1); short protein forms F140L, F149L.
Identifiers: ClinVar variation 658901 (VCV000658901.8), dbSNP rs41298814, ClinGen allele CA410682095.

ClinVar aggregate classification (germline): Uncertain significance (1 of 4 stars; one submission).

Conditions:
DiGeorge syndrome. Also called: Catch22; THIRD AND FOURTH PHARYNGEAL POUCH SYNDROME. Identifiers: Orphanet 567, MedGen C0012236, MONDO:0008564, OMIM 188400.

Submission:

Labcorp Genetics (formerly Invitae), Labcorp
Classification: Uncertain significance for DiGeorge syndrome. Last evaluated: 2022-03-18. Review status: criteria provided, single submitter. Criteria: Invitae Variant Classification Sherloc (09022015). Collection method: clinical testing. Allele origin: germline.
Comment: This sequence change replaces phenylalanine, which is neutral and non-polar, with leucine, which is neutral and non-polar, at codon 140 of the TBX1 protein (p.Phe140Leu). This variant is not present in population databases (gnomAD no frequency). This variant has not been reported in the literature in individuals affected with TBX1-related conditions. ClinVar contains an entry for this variant (Variation ID: 658901). Algorithms developed to predict the effect of missense changes on protein structure and function are either unavailable or do not agree on the potential impact of this missense change (SIFT: "Deleterious"; PolyPhen-2: "Probably Damaging"; Align-GVGD: "Class C15"). In summary, the available evidence is currently insufficient to determine the role of this variant in disease. Therefore, it has been classified as a Variant of Uncertain Significance.